The following is an entry in ClinVar:

NC_000023.11:g.(?_32386290)_(32849840_?)del

Genes: DMD (dystrophin; minus strand), MIR3915 (microRNA 3915; minus strand), MIR548F5 (microRNA 548f-5; minus strand). Cytogenetic location: Xp21.1.
Variant type: Deletion.
Identifiers: ClinVar variation 455832 (VCV000455832.8).

ClinVar aggregate classification (germline): Pathogenic (1 of 4 stars; one submission).

Conditions:
Duchenne muscular dystrophy (DMD). Also called: MUSCULAR DYSTROPHY, PSEUDOHYPERTROPHIC PROGRESSIVE, DUCHENNE TYPE; Duchenne Muscular Dystrophy (DMD). Identifiers: Orphanet 98896, MedGen C0013264, MONDO:0010679, OMIM 310200.

Submission:

Labcorp Genetics (formerly Invitae), Labcorp
Classification: Pathogenic for Duchenne muscular dystrophy. Last evaluated: 2023-08-04. Review status: criteria provided, single submitter. Criteria: Invitae Variant Classification Sherloc (09022015). Collection method: clinical testing. Allele origin: germline.
Comment: For these reasons, this variant has been classified as Pathogenic. The region of the DMD gene that includes exon(s) 3-30 has been determined to be clinically significant (PMID: 7853367, 12920092, 18974567, 19937601, 21969337, 26745801). Therefore, deletions that encompass that region are likely to be disease-causing. A similar copy number variant has been observed in individuals with Duchenne or Becker muscular dystrophy (PMID: 22776072, 23453023). This variant is a gross deletion of the genomic region encompassing exon(s) 3-33 of the DMD gene. This variant would be expected to be in-frame, preserving the integrity of the reading frame.

Literature cited by the submitters: PubMed 7853367; PubMed 12920092; PubMed 18974567; PubMed 19937601; PubMed 21969337; PubMed 26745801; PubMed 22776072; PubMed 23453023.